The following is an entry in ClinVar:

NM_003995.4(NPR2):c.2794C>T (p.Arg932Cys)

Genes: NPR2 (natriuretic peptide receptor 2; plus strand), SPAG8 (sperm associated antigen 8; minus strand). Cytogenetic location: 9p13.3.
Variant type: single nucleotide variant.
Coding change: c.2794C>T on transcript NM_003995.4 (MANE Select); coding-DNA position 2794, C replaced by T.
Protein change: p.Arg932Cys; replaces arginine 932 with cysteine.
Molecular consequence: missense variant. On other transcripts: intron variant (2).
Genome position (GRCh38, 1-based): chr9:35,808,590, C>T. VCF-style: chr9-35808590-C-T. GRCh37 (hg19) VCF-style: chr9-35808587-C-T.
Other names: c.2803C>T, p.Arg935Cys (NM_001378923.1); c.1201-284G>A (NM_001366760.2); c.1373-284G>A (NM_172312.2); short protein forms R932C, R935C.
Identifiers: ClinVar variation 1684544 (VCV001684544.4), dbSNP rs760285654, ClinGen allele CA373385081.

ClinVar aggregate classification (germline): Conflicting classifications of pathogenicity. Review status: criteria provided, conflicting classifications (1 of 4 stars). 2 submissions from 2 submitters: Likely pathogenic (1); Uncertain significance (1). Last evaluated 2024-07-05.

Conditions:
Acromesomelic dysplasia 1, Maroteaux type (AMD1). Also called: ACROMESOMELIC DYSPLASIA 1; ST. HELENA DYSPLASIA. Identifiers: Orphanet 40, MedGen C1864356, MONDO:0011275, OMIM 602875.
Tall stature-scoliosis-macrodactyly of the great toes syndrome. Also called: Epiphyseal chondrodysplasia, miura type. Identifiers: Orphanet 329191, MedGen C4014690, MONDO:0014401, OMIM 615923.
Epilepsy, familial focal, with variable foci 2 (FFEVF2). Identifiers: MedGen C4310709, MONDO:0014924, OMIM 617116.

Allele frequency attached by ClinVar (database versions not stated): gnomAD exomes 0.00001; TOPMed 0.00001.
gnomAD v4.1: 9 of 1,614,092 alleles (0.00056%); highest among the groups gnomAD compares: Admixed American, 0.0017%; no homozygotes.

Submissions (2):

Labcorp Genetics (formerly Invitae), Labcorp
Classification: Uncertain significance for Tall stature-scoliosis-macrodactyly of the great toes syndrome; Acromesomelic dysplasia 1, Maroteaux type. Last evaluated: 2024-07-05. Review status: criteria provided, single submitter. Criteria: Invitae Variant Classification Sherloc (09022015). Collection method: clinical testing. Allele origin: germline.
Comment: This sequence change replaces arginine, which is basic and polar, with cysteine, which is neutral and slightly polar, at codon 932 of the NPR2 protein (p.Arg932Cys). This variant is present in population databases (no rsID available, gnomAD 0.003%). This missense change has been observed in individual(s) with short stature (PMID: 29758562). ClinVar contains an entry for this variant (Variation ID: 1684544). Advanced modeling of protein sequence and biophysical properties (such as structural, functional, and spatial information, amino acid conservation, physicochemical variation, residue mobility, and thermodynamic stability) has been performed at Invitae for this missense variant, however the output from this modeling did not meet the statistical confidence thresholds required to predict the impact of this variant on NPR2 protein function. In summary, the available evidence is currently insufficient to determine the role of this variant in disease. Therefore, it has been classified as a Variant of Uncertain Significance.

Institute of Human Genetics, University of Goettingen
Classification: Likely pathogenic for Epilepsy, familial focal, with variable foci 2. Last evaluated: 2022-05-20. Review status: criteria provided, single submitter. Criteria: ACMG Guidelines, 2015. Collection method: clinical testing. Allele origin: unknown. Inheritance: Autosomal dominant inheritance. Observed: 1 heterozygote.
Comment: For the following reasons, we consider the detected NPR2 mutation as likely pathogenic: the mutation has already been described as likely pathogenic in affected individuals (HGMD: CM187911; et al. Hauer NN et al. (2018) Genet Med. 20(6): 630-638); the mutation is located in a protein domain of NPR2 and affects a moderately conserved amino acid; a comparison with the gnomAD browser did not provide evidence that this sequence change is a norm variant that can also be detected in non-affected individuals; the mutation is independently classified as deleterious by the majority (n=15 of 20) of the prediction programs.

Literature cited by the submitters: PubMed 29758562 (cited by Labcorp Genetics (formerly Invitae), Labcorp).